The following is an entry in ClinVar:

ClinVar aggregate classification (germline): Uncertain significance (1 of 4 stars; one submission).

Conditions:
Desmin-related myofibrillar myopathy (MFM1). Also called: MYOFIBRILLAR MYOPATHY WITH ARRHYTHMOGENIC RIGHT VENTRICULAR CARDIOMYOPATHY; DESMIN-RELATED MYOPATHY WITH ARRHYTHMOGENIC RIGHT VENTRICULAR CARDIOMYOPATHY; Myofibrillar myopathy 1; Desminopathy; Desmin related myopathy (former name); Desmin storage myopathy (former name). Identifiers: Orphanet 363543, Orphanet 98909, MedGen C1832370, MONDO:0011076, OMIM 601419.

Allele frequency attached by ClinVar (database versions not stated): gnomAD exomes below 0.00001.
gnomAD v4.1: 1 of 1,614,104 alleles (0.000062%); highest among the groups gnomAD compares: East Asian, 0.0022%; no homozygotes.

Submission:

Labcorp Genetics (formerly Invitae), Labcorp
Classification: Uncertain significance for Desmin-related myofibrillar myopathy. Last evaluated: 2023-09-15. Review status: criteria provided, single submitter. Criteria: Invitae Variant Classification Sherloc (09022015). Collection method: clinical testing. Allele origin: germline.
Comment: This sequence change replaces glutamine, which is neutral and polar, with arginine, which is basic and polar, at codon 389 of the DES protein (p.Gln389Arg). This variant is not present in population databases (gnomAD no frequency). This variant has not been reported in the literature in individuals affected with DES-related conditions. ClinVar contains an entry for this variant (Variation ID: 1715686). Advanced modeling of protein sequence and biophysical properties (such as structural, functional, and spatial information, amino acid conservation, physicochemical variation, residue mobility, and thermodynamic stability) has been performed at Invitae for this missense variant, however the output from this modeling did not meet the statistical confidence thresholds required to predict the impact of this variant on DES protein function. In summary, the available evidence is currently insufficient to determine the role of this variant in disease. Therefore, it has been classified as a Variant of Uncertain Significance.

NM_001927.4(DES):c.1166A>G (p.Gln389Arg)

Gene: DES (desmin; plus strand). Cytogenetic location: 2q35.
Variant type: single nucleotide variant.
Coding change: c.1166A>G on transcript NM_001927.4 (MANE Select); coding-DNA position 1166, A replaced by G.
Protein change: p.Gln389Arg; replaces glutamine 389 with arginine.
Molecular consequence: missense variant. On other transcripts: splice acceptor variant (1).
Genome position (GRCh38, 1-based): chr2:219,421,482, A>G. VCF-style: chr2-219421482-A-G. GRCh37 (hg19) VCF-style: chr2-220286204-A-G.
Other names: c.1163A>G, p.Gln388Arg (NM_001382708.1); c.1097A>G, p.Gln366Arg (NM_001382710.1); c.1145A>G, p.Gln382Arg (NM_001382711.1); c.1166A>G, p.Gln389Arg (NM_001382712.1); c.896A>G, p.Gln299Arg (NM_001382713.1); c.736-2A>G (NM_001382709.1); short protein forms Q299R, Q366R, Q382R, Q388R, Q389R.
Identifiers: ClinVar variation 1715686 (VCV001715686.6), dbSNP rs121913004, ClinGen allele CA350694726.